The following is an entry in ClinVar:

ClinVar aggregate classification (germline): Uncertain significance (1 of 4 stars; one submission).

Conditions:
TTN-related disorder. Also called: TTN-related condition; TTN-related disease; TTN-related disorders.

gnomAD v4.1: 44 of 1,613,620 alleles (0.0027%); highest among the groups gnomAD compares: South Asian, 0.012%; no homozygotes.

Submission:

PreventionGenetics, part of Exact Sciences
Classification: Uncertain significance for TTN-related condition. Last evaluated: 2026-05-13. Review status: criteria provided, single submitter. Criteria: ACMG Guidelines, 2015. Collection method: clinical testing. Allele origin: germline.
Comment: The TTN c.28546C>T variant is predicted to result in the amino acid substitution p.Arg9516Cys. To our knowledge, this variant has not been reported in the literature. This variant is reported in 0.013% of alleles in individuals of South Asian descent in gnomAD. At this time, the clinical significance of this variant is uncertain due to the absence of conclusive functional and genetic evidence.

NM_001267550.2(TTN):c.28546C>T (p.Arg9516Cys)

Gene: TTN (titin; minus strand). Cytogenetic location: 2q31.2.
Variant type: single nucleotide variant.
Coding change: c.28546C>T on transcript NM_001267550.2 (MANE Select); coding-DNA position 28546, C replaced by T.
Protein change: p.Arg9516Cys; replaces arginine 9516 with cysteine.
Molecular consequence: missense variant. On other transcripts: intron variant (3).
Genome position (GRCh38, 1-based): chr2:178,709,773, G>A on the plus strand (C>T on the coding strand, the complement: TTN is on the minus strand). VCF-style: chr2-178709773-G-A. GRCh37 (hg19) VCF-style: chr2-179574500-G-A.
Other names: c.27595C>T, p.Arg9199Cys (NM_001256850.1); c.24814C>T, p.Arg8272Cys (NM_133378.4); c.13282+28309C>T (NM_003319.4); c.13858+28309C>T (NM_133437.4); c.13657+28309C>T (NM_133432.3); short protein forms R8272C, R9199C, R9516C.
Identifiers: ClinVar variation 3348574 (VCV003348574.2).
Genomic context (GRCh38, chr2:178,709,773, plus strand): 5'-GTTGTATCTCTATATTATTTTTGTACCAGGCAACAGTTATAGGTTGGGAACCAGCCACAC[G>A]TCCCTCAAGTTTGAAAGAATTCCCTTCTGTTTCTTCTACTGTCTCTGAGAGTCTTTTAGT-3'
Protein context (NP_001254479.2, residues 9506-9526): TEGNSFKLEG[Arg9516Cys]VAGSQPITVA